The following is an entry in ClinVar:

NM_001903.5(CTNNA1):c.422_468+54dup

Gene: CTNNA1 (catenin alpha 1; plus strand). Cytogenetic location: 5q31.2.
Variant type: Duplication.
Coding change: c.422_468+54dup on transcript NM_001903.5 (MANE Select); coding-DNA position 422 through 54 bases into the intron after coding-DNA position 468, 101 bases duplicated.
Molecular consequence: splice donor variant.
Genome position (GRCh38, 1-based): chr5:138,810,158-138,810,258, 101 bases duplicated. GRCh37 (hg19): chr5:138,145,847-138,145,947.
Other names: c.422_468+54dup (NM_001323982.2, NM_001323984.2, NM_001290307.3 and 3 more transcripts); c.53_99+54dup (NM_001290310.3); c.113_159+54dup (NM_001290309.3).
Identifiers: ClinVar variation 3702875 (VCV003702875.2).

ClinVar aggregate classification (germline): Uncertain significance (1 of 4 stars; one submission).

Submission:

Labcorp Genetics (formerly Invitae), Labcorp
Classification: Uncertain significance. Last evaluated: 2025-01-20. Review status: criteria provided, single submitter. Criteria: Invitae Variant Classification Sherloc (09022015). Collection method: clinical testing. Allele origin: germline.
Comment: This sequence change falls in intron 4 of the CTNNA1 gene. It does not directly change the encoded amino acid sequence of the CTNNA1 protein. This variant has not been reported in the literature in individuals affected with CTNNA1-related conditions. Experimental studies and prediction algorithms are not available or were not evaluated, and the effect of this variant on mRNA splicing is currently unknown. In summary, the available evidence is currently insufficient to determine the role of this variant in disease. Therefore, it has been classified as a Variant of Uncertain Significance.